The following is an entry in ClinVar:

ClinVar aggregate classification (germline): Uncertain significance (1 of 4 stars; one submission).

Conditions:
Developmental and epileptic encephalopathy, 79. Also called: EPILEPTIC ENCEPHALOPATHY, EARLY INFANTILE, 79. Identifiers: MedGen C5231410, MONDO:0032813, OMIM 618559.

Submission:

Juno Genomics, Hangzhou Juno Genomics, Inc
Classification: Uncertain significance for Developmental and epileptic encephalopathy, 79. Review status: criteria provided, single submitter. Criteria: ACMG Guidelines, 2015. Collection method: clinical testing. Allele origin: germline. Affected: yes.
Comment: Absent from controls (or at extremely low frequency if recessive) in Genome Aggregation Database, Exome Sequencing Project, 1000 Genomes Project, or Exome Aggregation Consortium.;Multiple lines of computational evidence support a deleterious effect on the gene or gene product (conservation, evolutionary, splicing impact, etc).;Missense variant in a gene that has a low rate of benign missense variation and where missense variants are a common mechanism of disease.

NM_000810.4(GABRA5):c.1327G>C (p.Val443Leu)

Gene: GABRA5 (gamma-aminobutyric acid type A receptor subunit alpha5; plus strand). Cytogenetic location: 15q12.
Variant type: single nucleotide variant.
Coding change: c.1327G>C on transcript NM_000810.4 (MANE Select); coding-DNA position 1327, G replaced by C.
Protein change: p.Val443Leu; replaces valine 443 with leucine.
Molecular consequence: missense variant.
Genome position (GRCh38, 1-based): chr15:26,948,171, G>C. VCF-style: chr15-26948171-G-C. GRCh37 (hg19) VCF-style: chr15-27193318-G-C.
Other names: c.1327G>C, p.Val443Leu (NM_001165037.2); short protein forms V443L.
Identifiers: ClinVar variation 3382578 (VCV003382578.2).